The following is an entry in ClinVar:

ClinVar aggregate classification (germline): Benign. Review status: criteria provided, multiple submitters, no conflicts (2 of 4 stars). 7 submissions from 6 submitters: Benign (6). 1 of the submissions does not count toward it. Last evaluated 2026-02-01.

Conditions:
Retinitis pigmentosa 95. Identifiers: MedGen C5774244, MONDO:0859308, OMIM 620102.
Age related macular degeneration 6. Identifiers: MedGen C3151060, MONDO:0013406, OMIM 613757.
Cone-rod dystrophy 11 (CORD11). Identifiers: Orphanet 1872, MedGen C1835865, MONDO:0012483, OMIM 610381.

Allele frequency attached by ClinVar (database versions not stated): 1000 Genomes Project 0.00599; 1000 Genomes Project 30x 0.00671; gnomAD 0.01485; ESP Exome Variant Server 0.01379; ExAC 0.01884; TOPMed 0.01340; gnomAD exomes 0.01450.
gnomAD v4.1: 29,958 of 1,611,622 alleles (1.9%); highest among the groups gnomAD compares: Non-Finnish European, 2.2%; 353 homozygotes.

Submissions (7):

Labcorp Genetics (formerly Invitae), Labcorp
Classification: Benign. Last evaluated: 2026-02-01. Review status: criteria provided, single submitter. Criteria: Invitae Variant Classification Sherloc (09022015). Collection method: clinical testing. Allele origin: germline.

CeGaT Center for Human Genetics Tuebingen
Classification: Benign. Last evaluated: 2023-01-01. Review status: criteria provided, single submitter. Criteria: CeGaT Center For Human Genetics Tuebingen Variant Classification Criteria Version 2. Collection method: clinical testing. Allele origin: germline. Affected: yes. Observed: 4 variant alleles.
Comment: RAX2: BS1, BS2

Illumina Laboratory Services, Illumina
Classification: Benign for Age related macular degeneration 6. Last evaluated: 2018-01-13. Review status: criteria provided, single submitter. Criteria: ICSL Variant Classification Criteria 13 December 2019. Collection method: clinical testing. Allele origin: germline.
Comment: This variant was observed in the ICSL laboratory as part of a predisposition screen in an ostensibly healthy population. It had not been previously curated by ICSL or reported in the Human Gene Mutation Database (HGMD: prior to June 1st, 2018), and was therefore a candidate for classification through an automated scoring system. Utilizing variant allele frequency, disease prevalence and penetrance estimates, and inheritance mode, an automated score was calculated to assess if this variant is too frequent to cause the disease. Based on the score and internal cut-off values, a variant classified as benign is not then subjected to further curation. The score for this variant resulted in a classification of benign for this disease.

Illumina Laboratory Services, Illumina
Classification: Benign for Cone-rod dystrophy 11. Last evaluated: 2018-01-13. Review status: criteria provided, single submitter. Criteria: ICSL Variant Classification Criteria 13 December 2019. Collection method: clinical testing. Allele origin: germline.
Comment: the same text as in the submission from Illumina Laboratory Services, Illumina above.

Eurofins Ntd Llc (ga)
Classification: Benign. Last evaluated: 2013-09-25. Review status: criteria provided, single submitter. Criteria: EGL Classification Definitions 2015. Collection method: clinical testing. Allele origin: germline. Observed: 1 variant allele, 1 heterozygote.

Breakthrough Genomics
Classification: Benign. Review status: criteria provided, single submitter. Criteria: ACMG Guidelines, 2015. Collection method: not provided. Allele origin: germline. Inheritance: Autosomal recessive inheritance. Affected: yes.

OMIM
Classification: Pathogenic for RETINITIS PIGMENTOSA 95. Last evaluated: 2025-09-12. Review status: no assertion criteria provided. Collection method: literature only. Allele origin: germline. Not counted in ClinVar's aggregate classification.

Literature cited by the submitters: PubMed 30377383 (cited by OMIM).

NM_001319074.4(RAX2):c.155C>T (p.Pro52Leu)

Gene: RAX2 (retina and anterior neural fold homeobox 2; minus strand). Cytogenetic location: 19p13.3.
Variant type: single nucleotide variant.
Coding change: c.155C>T on transcript NM_001319074.4 (MANE Select); coding-DNA position 155, C replaced by T.
Protein change: p.Pro52Leu; replaces proline 52 with leucine.
Molecular consequence: missense variant.
Genome position (GRCh38, 1-based): chr19:3,771,588, G>A on the plus strand (C>T on the coding strand, the complement: RAX2 is on the minus strand). VCF-style: chr19-3771588-G-A. GRCh37 (hg19) VCF-style: chr19-3771586-G-A.
Other names: P52R; c.155C>T, p.Pro52Leu (NM_032753.4); short protein forms P52L.
Identifiers: ClinVar variation 96229 (VCV000096229.41), dbSNP rs76076446, ClinGen allele CA149376.